The following is an entry in ClinVar:

NM_000179.3(MSH6):c.2375T>C (p.Leu792Pro)

Gene: MSH6 (mutS homolog 6; plus strand). Cytogenetic location: 2p16.3.
Variant type: single nucleotide variant.
Coding change: c.2375T>C on transcript NM_000179.3 (MANE Select); coding-DNA position 2375, T replaced by C.
Protein change: p.Leu792Pro; replaces leucine 792 with proline.
Molecular consequence: missense variant.
Genome position (GRCh38, 1-based): chr2:47,800,358, T>C. VCF-style: chr2-47800358-T-C. GRCh37 (hg19) VCF-style: chr2-48027497-T-C.
Other names: c.1985T>C, p.Leu662Pro (NM_001281492.2); c.1469T>C, p.Leu490Pro (NM_001281493.2, NM_001281494.2); short protein forms L792P, L490P, L662P.
Identifiers: ClinVar variation 89276 (VCV000089276.11), dbSNP rs587779236, ClinGen allele CA010140.

ClinVar aggregate classification (germline): Conflicting classifications of pathogenicity. Review status: criteria provided, conflicting classifications (1 of 4 stars). 2 submissions from 2 submitters: Likely pathogenic (1); Uncertain significance (1). Last evaluated 2022-06-03.

Conditions:
Hereditary nonpolyposis colorectal neoplasms. Identifiers: MedGen C0009405, MeSH D003123.
Hereditary cancer-predisposing syndrome. Also called: Tumor predisposition; Hereditary Cancer Syndrome; Hereditary neoplastic syndrome; Neoplastic Syndromes, Hereditary. Identifiers: Orphanet 140162, MedGen C0027672, MeSH D009386, MONDO:0015356.

gnomAD v4.1: 1 of 1,614,132 alleles (0.000062%); highest among the groups gnomAD compares: Non-Finnish European, 0.000085%; no homozygotes.

Submissions (2):

Labcorp Genetics (formerly Invitae), Labcorp
Classification: Uncertain significance for Hereditary nonpolyposis colorectal neoplasms. Last evaluated: 2022-06-03. Review status: criteria provided, single submitter. Criteria: Invitae Variant Classification Sherloc (09022015). Collection method: clinical testing. Allele origin: germline.
Comment: In summary, the available evidence is currently insufficient to determine the role of this variant in disease. Therefore, it has been classified as a Variant of Uncertain Significance. Advanced modeling of protein sequence and biophysical properties (such as structural, functional, and spatial information, amino acid conservation, physicochemical variation, residue mobility, and thermodynamic stability) performed at Invitae indicates that this missense variant is expected to disrupt MSH6 protein function. ClinVar contains an entry for this variant (Variation ID: 89276). This variant has not been reported in the literature in individuals affected with MSH6-related conditions. This variant is not present in population databases (gnomAD no frequency). This sequence change replaces leucine, which is neutral and non-polar, with proline, which is neutral and non-polar, at codon 792 of the MSH6 protein (p.Leu792Pro).

Ambry Genetics
Classification: Likely pathogenic for Hereditary cancer-predisposing syndrome. Last evaluated: 2021-08-13. Review status: criteria provided, single submitter. Criteria: Ambry Variant Classification Scheme 2023. Collection method: clinical testing. Allele origin: germline.
Comment: The p.L792P variant (also known as c.2375T>C), located in coding exon 4 of the MSH6 gene, results from a T to C substitution at nucleotide position 2375. The leucine at codon 792 is replaced by proline, an amino acid with similar properties. Based on internal structural analysis, L792P is deleterious, is moderately destabilizing to the local structure, and is more disruptive than nearby pathogenic variants. This variant is considered to be rare based on population cohorts in the Genome Aggregation Database (gnomAD). This amino acid position is highly conserved in available vertebrate species. In addition, this alteration is predicted to be deleterious by in silico analysis. Based on the majority of available evidence to date, this variant is likely to be pathogenic.

Literature cited by the submitters: PubMed 22290698 (cited by Ambry Genetics).